The following is an entry in ClinVar:

ClinVar aggregate classification (germline): Uncertain significance. Review status: criteria provided, multiple submitters, no conflicts (2 of 4 stars). 3 submissions from 3 submitters: Uncertain significance (3). Last evaluated 2025-07-27.

Conditions:
Saldino-Mainzer syndrome (SRTD9). Also called: CONORENAL SYNDROME; SHORT-RIB THORACIC DYSPLASIA 9 WITHOUT POLYDACTYLY; short-rib thoracic dysplasia 9 with or without polydactyly; Renal dysplasia, retinal pigmentary dystrophy, cerebellar ataxia and skeletal dysplasia. Identifiers: Orphanet 140969, MedGen C1849437, MONDO:0009964, OMIM 266920.
Inborn genetic diseases. Identifiers: MedGen C0950123, MeSH D030342.
Retinitis pigmentosa 80 (RP80). Identifiers: MedGen C4540439, MONDO:0054708, OMIM 617781.

Allele frequency attached by ClinVar (database versions not stated): gnomAD exomes below 0.00001 and 0.00002; ExAC 0.00002; gnomAD 0.00003 and 0.00004; TOPMed 0.00004.
gnomAD v4.1: 13 of 1,614,086 alleles (0.00081%); highest among the groups gnomAD compares: African/African-American, 0.012%; no homozygotes.

Submissions (3):

Labcorp Genetics (formerly Invitae), Labcorp
Classification: Uncertain significance for Saldino-Mainzer syndrome. Last evaluated: 2025-07-27. Review status: criteria provided, single submitter. Criteria: Invitae Variant Classification Sherloc (09022015). Collection method: clinical testing. Allele origin: germline.
Comment: This sequence change replaces glutamic acid, which is acidic and polar, with glycine, which is neutral and non-polar, at codon 1232 of the IFT140 protein (p.Glu1232Gly). This variant is present in population databases (rs774000109, gnomAD 0.02%). This variant has not been reported in the literature in individuals affected with IFT140-related conditions. ClinVar contains an entry for this variant (Variation ID: 936029). Invitae Evidence Modeling of protein sequence and biophysical properties (such as structural, functional, and spatial information, amino acid conservation, physicochemical variation, residue mobility, and thermodynamic stability) has been performed for this missense variant. However, the output from this modeling did not meet the statistical confidence thresholds required to predict the impact of this variant on IFT140 protein function. In summary, the available evidence is currently insufficient to determine the role of this variant in disease. Therefore, it has been classified as a Variant of Uncertain Significance.

Ambry Genetics
Classification: Uncertain significance for Inborn genetic diseases. Last evaluated: 2024-09-10. Review status: criteria provided, single submitter. Criteria: Ambry Variant Classification Scheme 2023. Collection method: clinical testing. Allele origin: germline.

Fulgent Genetics
Classification: Uncertain significance for Saldino-Mainzer syndrome; Retinitis pigmentosa 80. Last evaluated: 2024-04-20. Review status: criteria provided, single submitter. Criteria: ACMG Guidelines, 2015. Collection method: clinical testing. Allele origin: germline.

NM_014714.4(IFT140):c.3695A>G (p.Glu1232Gly)

Gene: IFT140 (intraflagellar transport 140; minus strand). Cytogenetic location: 16p13.3.
Variant type: single nucleotide variant.
Coding change: c.3695A>G on transcript NM_014714.4 (MANE Select); coding-DNA position 3695, A replaced by G.
Protein change: p.Glu1232Gly; replaces glutamic acid 1232 with glycine.
Molecular consequence: missense variant.
Genome position (GRCh38, 1-based): chr16:1,520,309, T>C on the plus strand (A>G on the coding strand, the complement: IFT140 is on the minus strand). VCF-style: chr16-1520309-T-C. GRCh37 (hg19) VCF-style: chr16-1570310-T-C.
Other names: short protein forms E1232G.
Identifiers: ClinVar variation 936029 (VCV000936029.10), dbSNP rs774000109, ClinGen allele CA7813058.